The following is an entry in ClinVar:

ClinVar aggregate classification (germline): Uncertain significance (1 of 4 stars; one submission).

Submission:

Labcorp Genetics (formerly Invitae), Labcorp
Classification: Uncertain significance. Last evaluated: 2025-06-27. Review status: criteria provided, single submitter. Criteria: Invitae Variant Classification Sherloc (09022015). Collection method: clinical testing. Allele origin: germline.
Comment: This sequence change replaces glutamic acid, which is acidic and polar, with lysine, which is basic and polar, at codon 58 of the RAX2 protein (p.Glu58Lys). This variant is not present in population databases (gnomAD no frequency). This variant has not been reported in the literature in individuals affected with RAX2-related conditions. An algorithm developed to predict the effect of missense changes on protein structure and function (PolyPhen-2) suggests that this variant is likely to be disruptive. In summary, the available evidence is currently insufficient to determine the role of this variant in disease. Therefore, it has been classified as a Variant of Uncertain Significance.

NM_001319074.4(RAX2):c.172G>A (p.Glu58Lys)

Gene: RAX2 (retina and anterior neural fold homeobox 2; minus strand). Cytogenetic location: 19p13.3.
Variant type: single nucleotide variant.
Coding change: c.172G>A on transcript NM_001319074.4 (MANE Select); coding-DNA position 172, G replaced by A.
Protein change: p.Glu58Lys; replaces glutamic acid 58 with lysine.
Molecular consequence: missense variant.
Genome position (GRCh38, 1-based): chr19:3,771,571, C>T on the plus strand (G>A on the coding strand, the complement: RAX2 is on the minus strand). VCF-style: chr19-3771571-C-T. GRCh37 (hg19) VCF-style: chr19-3771569-C-T.
Other names: c.172G>A, p.Glu58Lys (NM_032753.4); short protein forms E58K.
Identifiers: ClinVar variation 4722212 (VCV004722212.1).